The following is an entry in ClinVar:

ClinVar aggregate classification (germline): Uncertain significance (1 of 4 stars; one submission).

Submission:

Labcorp Genetics (formerly Invitae), Labcorp
Classification: Uncertain significance. Last evaluated: 2021-10-02. Review status: criteria provided, single submitter. Criteria: Invitae Variant Classification Sherloc (09022015). Collection method: clinical testing. Allele origin: germline.
Comment: Algorithms developed to predict the effect of missense changes on protein structure and function (SIFT, PolyPhen-2, Align-GVGD) all suggest that this variant is likely to be tolerated. In summary, the available evidence is currently insufficient to determine the role of this variant in disease. Therefore, it has been classified as a Variant of Uncertain Significance. This variant has not been reported in the literature in individuals affected with TTLL5-related conditions. This variant is not present in population databases (ExAC no frequency). This sequence change replaces methionine with leucine at codon 5 of the TTLL5 protein (p.Met5Leu). The methionine residue is moderately conserved and there is a small physicochemical difference between methionine and leucine.

NM_015072.5(TTLL5):c.13A>T (p.Met5Leu)

Gene: TTLL5 (tubulin tyrosine ligase like 5; plus strand). Cytogenetic location: 14q24.3.
Variant type: single nucleotide variant.
Coding change: c.13A>T on transcript NM_015072.5 (MANE Select); coding-DNA position 13, A replaced by T.
Protein change: p.Met5Leu; replaces methionine 5 with leucine.
Molecular consequence: missense variant.
Genome position (GRCh38, 1-based): chr14:75,663,162, A>T. VCF-style: chr14-75663162-A-T. GRCh37 (hg19) VCF-style: chr14-76129505-A-T.
Other names: short protein forms M5L.
Identifiers: ClinVar variation 1374971 (VCV001374971.6), dbSNP rs1467031622, ClinGen allele CA390465078.